The following is an entry in ClinVar:

NM_005460.4(SNCAIP):c.*46T>G

Genes: SNCAIP (synuclein alpha interacting protein; plus strand), SNCAIP-AS3 (SNCAIP antisense RNA 3; minus strand). Cytogenetic location: 5q23.2.
Variant type: single nucleotide variant.
Coding change: c.*46T>G on transcript NM_005460.4 (MANE Select); 46 bases downstream of the stop codon, T replaced by G.
Molecular consequence: 3 prime UTR variant. On other transcripts: missense variant (2), non-coding transcript variant (2).
Genome position (GRCh38, 1-based): chr5:122,463,542, T>G. VCF-style: chr5-122463542-T-G. GRCh37 (hg19) VCF-style: chr5-121799237-T-G.
Other names: c.1779T>G, p.Ile593Met (NM_001242935.3); c.3018T>G, p.Ile1006Met (NM_001308100.2); c.*46T>G (NM_001308105.1, NM_001308106.1, NM_001308107.2 and 2 more transcripts); short protein forms I593M, I1006M.
Identifiers: ClinVar variation 350505 (VCV000350505.6), dbSNP rs187197845, ClinGen allele CA3385167.

ClinVar aggregate classification (germline): Likely benign. Review status: criteria provided, multiple submitters, no conflicts (2 of 4 stars). 2 submissions from 2 submitters: Likely benign (2). Last evaluated 2018-01-12.

Conditions:
Parkinson Disease, Dominant/Recessive.

Allele frequency attached by ClinVar (database versions not stated): gnomAD 0.00114 and 0.00119; ExAC 0.00116; 1000 Genomes Project 0.00120; gnomAD exomes 0.00120 and 0.00137; TOPMed 0.00133; ESP Exome Variant Server 0.00138; 1000 Genomes Project 30x 0.00141.

Submissions (2):

Illumina Laboratory Services, Illumina
Classification: Likely benign for Parkinson Disease, Dominant/Recessive. Last evaluated: 2018-01-12. Review status: criteria provided, single submitter. Criteria: ICSL Variant Classification Criteria 13 December 2019. Collection method: clinical testing. Allele origin: germline.
Comment: This variant was observed in the ICSL laboratory as part of a predisposition screen in an ostensibly healthy population. It had not been previously curated by ICSL or reported in the Human Gene Mutation Database (HGMD: prior to June 1st, 2018), and was therefore a candidate for classification through an automated scoring system. Utilizing variant allele frequency, disease prevalence and penetrance estimates, and inheritance mode, an automated score was calculated to assess if this variant is too frequent to cause the disease. Based on the score and internal cut-off values, a variant classified as likely benign is not then subjected to further curation. The score for this variant resulted in a classification of likely benign for this disease.

Breakthrough Genomics
Classification: Likely benign. Review status: criteria provided, single submitter. Criteria: ACMG Guidelines, 2015. Collection method: not provided. Allele origin: germline. Inheritance: Unknown mechanism. Affected: yes.